The following is an entry in ClinVar:

NM_177924.5(ASAH1):c.704G>T (p.Gly235Val)

Gene: ASAH1 (N-acylsphingosine amidohydrolase 1; minus strand). Cytogenetic location: 8p22.
Variant type: single nucleotide variant.
Coding change: c.704G>T on transcript NM_177924.5 (MANE Select); coding-DNA position 704, G replaced by T.
Protein change: p.Gly235Val; replaces glycine 235 with valine.
Molecular consequence: missense variant.
Genome position (GRCh38, 1-based): chr8:18,061,458, C>A on the plus strand (G>T on the coding strand, the complement: ASAH1 is on the minus strand). VCF-style: chr8-18061458-C-A. GRCh37 (hg19) VCF-style: chr8-17918967-C-A.
Other names: c.686G>T, p.Gly229Val (NM_001127505.3); c.509G>T, p.Gly170Val (NM_001363743.2); c.752G>T, p.Gly251Val (NM_004315.6); short protein forms G170V, G229V, G235V, G251V.
Identifiers: ClinVar variation 3066142 (VCV003066142.1), dbSNP rs886062781, ClinGen allele CA370429511.

ClinVar aggregate classification (germline): Likely pathogenic (1 of 4 stars; one submission).

Conditions:
Farber lipogranulomatosis (FRBRL). Also called: AC DEFICIENCY; ACID CERAMIDASE DEFICIENCY; CERAMIDASE DEFICIENCY; N-LAURYLSPHINGOSINE DEACYLASE DEFICIENCY; Farber's disease; Farber disease. Identifiers: Orphanet 333, MedGen C0268255, MONDO:0009218, OMIM 228000.

Allele frequency attached by ClinVar (database versions not stated): TOPMed below 0.00001.
gnomAD v4.1: 3 of 1,610,128 alleles (0.00019%); highest among the groups gnomAD compares: Non-Finnish European, 0.00026%; no homozygotes.

Submission:

MVZ Medizinische Genetik Mainz
Classification: Likely pathogenic for Farber lipogranulomatosis. Last evaluated: 2023-04-14. Review status: criteria provided, single submitter. Criteria: UK Practice Guidelines For Variant Classification V4 01 2020. Collection method: clinical testing. Allele origin: germline. Inheritance: Autosomal recessive inheritance. Affected: yes. Observed: 1 variant allele.
Comment: ACMG Criteria: PM3,PM5,PP3_MOD,PM2_SUP